The following is an entry in ClinVar:

ClinVar aggregate classification (germline): Uncertain significance. Review status: criteria provided, multiple submitters, no conflicts (2 of 4 stars). 2 submissions from 2 submitters: Uncertain significance (2). Last evaluated 2026-01-25.

Conditions:
Hereditary cancer-predisposing syndrome. Also called: Tumor predisposition; Neoplastic Syndromes, Hereditary; Hereditary Cancer Syndrome; Hereditary neoplastic syndrome. Identifiers: Orphanet 140162, MedGen C0027672, MeSH D009386, MONDO:0015356.
Gorlin syndrome. Also called: Basal cell nevus syndrome; Nevoid Basal Cell Carcinoma Syndrome. Identifiers: Orphanet 377, MedGen C0004779, MONDO:0007187.

Allele frequency attached by ClinVar (database versions not stated): gnomAD exomes below 0.00001; TOPMed below 0.00001.
gnomAD v4.1: 1 of 1,614,202 alleles (0.000062%); highest among the groups gnomAD compares: African/African-American, 0.0013%; no homozygotes.

Submissions (2):

Labcorp Genetics (formerly Invitae), Labcorp
Classification: Uncertain significance for Gorlin syndrome. Last evaluated: 2026-01-25. Review status: criteria provided, single submitter. Criteria: Invitae Variant Classification Sherloc (09022015). Collection method: clinical testing. Allele origin: germline.
Comment: This sequence change replaces alanine, which is neutral and non-polar, with proline, which is neutral and non-polar, at codon 935 of the PTCH1 protein (p.Ala935Pro). This variant is not present in population databases (gnomAD no frequency). This variant has not been reported in the literature in individuals affected with PTCH1-related conditions. ClinVar contains an entry for this variant (Variation ID: 486176). Invitae Evidence Modeling of protein sequence and biophysical properties (such as structural, functional, and spatial information, amino acid conservation, physicochemical variation, residue mobility, and thermodynamic stability) has been performed for this missense variant. However, the output from this modeling did not meet the statistical confidence thresholds required to predict the impact of this variant on PTCH1 protein function. In summary, the available evidence is currently insufficient to determine the role of this variant in disease. Therefore, it has been classified as a Variant of Uncertain Significance.

Ambry Genetics
Classification: Uncertain significance for Hereditary cancer-predisposing syndrome. Last evaluated: 2024-02-22. Review status: criteria provided, single submitter. Criteria: Ambry Variant Classification Scheme 2023. Collection method: clinical testing. Allele origin: germline.
Comment: The p.A935P variant (also known as c.2803G>C), located in coding exon 17 of the PTCH1 gene, results from a G to C substitution at nucleotide position 2803. The alanine at codon 935 is replaced by proline, an amino acid with highly similar properties. This amino acid position is highly conserved in available vertebrate species. In addition, this alteration is predicted to be deleterious by in silico analysis. Since supporting evidence is limited at this time, the clinical significance of this alteration remains unclear.

NM_000264.5(PTCH1):c.2803G>C (p.Ala935Pro)

Gene: PTCH1 (patched 1; minus strand). Cytogenetic location: 9q22.32.
Variant type: single nucleotide variant.
Coding change: c.2803G>C on transcript NM_000264.5 (MANE Select); coding-DNA position 2803, G replaced by C.
Protein change: p.Ala935Pro; replaces alanine 935 with proline.
Molecular consequence: missense variant. On other transcripts: non-coding transcript variant (1).
Genome position (GRCh38, 1-based): chr9:95,459,684, C>G on the plus strand (G>C on the coding strand, the complement: PTCH1 is on the minus strand). VCF-style: chr9-95459684-C-G. GRCh37 (hg19) VCF-style: chr9-98221966-C-G.
Other names: c.2605G>C, p.Ala869Pro (NM_001083602.3); c.2800G>C, p.Ala934Pro (NM_001083603.3); c.2350G>C, p.Ala784Pro (NM_001083604.3, NM_001083605.3, NM_001083606.3 and 1 more transcripts); c.2647G>C, p.Ala883Pro (NM_001354918.2); short protein forms A869P, A935P, A784P, A883P, A934P.
Identifiers: ClinVar variation 486176 (VCV000486176.14), dbSNP rs1554691676, ClinGen allele CA374113047.